The following is an entry in ClinVar:

NM_001330078.2(NRXN1):c.1382C>T (p.Pro461Leu)

Gene: NRXN1 (neurexin 1; minus strand). Cytogenetic location: 2p16.3.
Variant type: single nucleotide variant.
Coding change: c.1382C>T on transcript NM_001330078.2 (MANE Select); coding-DNA position 1382, C replaced by T.
Protein change: p.Pro461Leu; replaces proline 461 with leucine.
Molecular consequence: missense variant.
Genome position (GRCh38, 1-based): chr2:50,552,964, G>A on the plus strand (C>T on the coding strand, the complement: NRXN1 is on the minus strand). VCF-style: chr2-50552964-G-A. GRCh37 (hg19) VCF-style: chr2-50780102-G-A.
Other names: c.1502C>T, p.Pro501Leu (NM_001135659.3); c.1358C>T, p.Pro453Leu (NM_001330077.2, NM_001330082.2, NM_001330095.2); c.1343C>T, p.Pro448Leu (NM_001330083.2, NM_001330084.2); c.1382C>T, p.Pro461Leu (NM_001330085.2, NM_001330086.2, NM_004801.6); c.1298C>T, p.Pro433Leu (NM_001330087.2, NM_001330096.2); c.1328C>T, p.Pro443Leu (NM_001330088.2); c.1379C>T, p.Pro460Leu (NM_001330093.2); c.1370C>T, p.Pro457Leu (NM_001330094.2); short protein forms P501L, P443L, P453L, P460L, P461L, P448L, P457L, P433L.
Identifiers: ClinVar variation 193621 (VCV000193621.12), dbSNP rs530674644, ClinGen allele CA239185.

ClinVar aggregate classification (germline): Uncertain significance. Review status: criteria provided, multiple submitters, no conflicts (2 of 4 stars). 4 submissions from 4 submitters: Uncertain significance (4). Last evaluated 2025-05-04.

Conditions:
Inborn genetic diseases. Identifiers: MedGen C0950123, MeSH D030342.
Pitt-Hopkins-like syndrome 2 (PTHSL2). Identifiers: Orphanet 221150, Orphanet 600663, MedGen C3280479, MONDO:0013690, OMIM 614325.

Allele frequency attached by ClinVar (database versions not stated): TOPMed below 0.00001; gnomAD 0.00001 and 0.00003; gnomAD exomes 0.00001; ExAC 0.00002; 1000 Genomes Project 30x 0.00031; 1000 Genomes Project 0.00040.
gnomAD v4.1: 12 of 1,613,592 alleles (0.00074%); highest among the groups gnomAD compares: East Asian, 0.0089%; no homozygotes.

Submissions (4):

Labcorp Genetics (formerly Invitae), Labcorp
Classification: Uncertain significance for Pitt-Hopkins-like syndrome 2. Last evaluated: 2025-05-04. Review status: criteria provided, single submitter. Criteria: Invitae Variant Classification Sherloc (09022015). Collection method: clinical testing. Allele origin: germline.
Comment: This sequence change replaces proline, which is neutral and non-polar, with leucine, which is neutral and non-polar, at codon 501 of the NRXN1 protein (p.Pro501Leu). This variant is present in population databases (rs530674644, gnomAD 0.006%). This variant has not been reported in the literature in individuals affected with NRXN1-related conditions. ClinVar contains an entry for this variant (Variation ID: 193621). An algorithm developed to predict the effect of missense changes on protein structure and function (PolyPhen-2) suggests that this variant is likely to be disruptive. In summary, the available evidence is currently insufficient to determine the role of this variant in disease. Therefore, it has been classified as a Variant of Uncertain Significance.

Ambry Genetics
Classification: Uncertain significance for Inborn genetic diseases. Last evaluated: 2022-10-13. Review status: criteria provided, single submitter. Criteria: Ambry Variant Classification Scheme 2023. Collection method: clinical testing. Allele origin: germline.

GeneDx
Classification: Uncertain significance. Last evaluated: 2017-01-19. Review status: criteria provided, single submitter. Criteria: GeneDx Variant Classification (06012015). Collection method: clinical testing. Allele origin: germline. Affected: yes.
Comment: A variant of uncertain significance has been identified in the NRXN1 gene. The P501L variant has not been published as a pathogenic variant, nor has it been reported as a benign variant to our knowledge. The P501L variant is not observed at a significant frequency in large population cohorts (Lek et al., 2016; 1000 Genomes Consortium et al., 2015; Exome Variant Server). The P501L variant is a semi-conservative amino acid substitution, which may impact secondary protein structure as these residues differ in some properties. This substitution occurs at a position that is conserved across species and in silico analysis predicts this variant is probably damaging to the protein structure/function. However, missense variants in nearby residues have not been reported in Human Gene Mutation Database in association with NRXN1-related disorders (Stenson et al., 2014). Therefore, based on the currently available information, it is unclear whether this variant is a pathogenic variant or a rare benign variant.

Eurofins Ntd Llc (ga)
Classification: Uncertain significance. Last evaluated: 2014-09-08. Review status: criteria provided, single submitter. Criteria: EGL Classification Definitions 2015. Collection method: clinical testing. Allele origin: germline. Observed: 1 variant allele, 1 heterozygote.